The following is an entry in ClinVar:

ClinVar aggregate classification (germline): Uncertain significance (1 of 4 stars; one submission).

Allele frequency attached by ClinVar (database versions not stated): gnomAD 0.00001; gnomAD exomes 0.00005; ExAC 0.00013; 1000 Genomes Project 30x 0.00016; 1000 Genomes Project 0.00020.
gnomAD v4.1: 80 of 1,609,454 alleles (0.005%); highest among the groups gnomAD compares: South Asian, 0.081%; 1 homozygote.

Submission:

Labcorp Genetics (formerly Invitae), Labcorp
Classification: Uncertain significance. Last evaluated: 2022-02-18. Review status: criteria provided, single submitter. Criteria: Invitae Variant Classification Sherloc (09022015). Collection method: clinical testing. Allele origin: germline.
Comment: This sequence change replaces asparagine, which is neutral and polar, with lysine, which is basic and polar, at codon 206 of the TENM3 protein (p.Asn206Lys). This variant is present in population databases (rs544813385, gnomAD 0.07%). In summary, the available evidence is currently insufficient to determine the role of this variant in disease. Therefore, it has been classified as a Variant of Uncertain Significance. Algorithms developed to predict the effect of missense changes on protein structure and function are either unavailable or do not agree on the potential impact of this missense change (SIFT: "Tolerated"; PolyPhen-2: "Possibly Damaging"; Align-GVGD: "Class C0"). This variant has not been reported in the literature in individuals affected with TENM3-related conditions.

NM_001080477.4(TENM3):c.618C>G (p.Asn206Lys)

Gene: TENM3 (teneurin transmembrane protein 3; plus strand). Cytogenetic location: 4q35.1.
Variant type: single nucleotide variant.
Coding change: c.618C>G on transcript NM_001080477.4 (MANE Select); coding-DNA position 618, C replaced by G.
Protein change: p.Asn206Lys; replaces asparagine 206 with lysine.
Molecular consequence: missense variant.
Genome position (GRCh38, 1-based): chr4:182,601,030, C>G. VCF-style: chr4-182601030-C-G. GRCh37 (hg19) VCF-style: chr4-183522183-C-G.
Other names: short protein forms N206K.
Identifiers: ClinVar variation 2144706 (VCV002144706.4), dbSNP rs544813385, ClinGen allele CA3147471.